The following is an entry in ClinVar:

ClinVar aggregate classification (germline): Benign. Review status: criteria provided, multiple submitters, no conflicts (2 of 4 stars). 2 submissions from 2 submitters: Benign (2). Last evaluated 2018-01-13.

Conditions:
Brain small vessel disease 2A, autosomal dominant. Also called: Porencephaly 2. Identifiers: Orphanet 2940, Orphanet 99810, MedGen C3280970, MONDO:0013773, OMIM 614483.

Allele frequency attached by ClinVar (database versions not stated): 1000 Genomes Project 0.33606; 1000 Genomes Project 30x 0.33916; TOPMed 0.40301; gnomAD 0.40372 and 0.40601.

Submissions (2):

Illumina Laboratory Services, Illumina
Classification: Benign for Brain small vessel disease 2A, autosomal dominant. Last evaluated: 2018-01-13. Review status: criteria provided, single submitter. Criteria: ICSL Variant Classification Criteria 13 December 2019. Collection method: clinical testing. Allele origin: germline.
Comment: This variant was observed in the ICSL laboratory as part of a predisposition screen in an ostensibly healthy population. It had not been previously curated by ICSL or reported in the Human Gene Mutation Database (HGMD: prior to June 1st, 2018), and was therefore a candidate for classification through an automated scoring system. Utilizing variant allele frequency, disease prevalence and penetrance estimates, and inheritance mode, an automated score was calculated to assess if this variant is too frequent to cause the disease. Based on the score and internal cut-off values, a variant classified as benign is not then subjected to further curation. The score for this variant resulted in a classification of benign for this disease.

Breakthrough Genomics
Classification: Benign. Review status: criteria provided, single submitter. Criteria: ACMG Guidelines, 2015. Collection method: not provided. Allele origin: germline. Inheritance: Autosomal dominant inheritance. Affected: yes.

NM_001846.4(COL4A2):c.*650T>C

Gene: COL4A2 (collagen type IV alpha 2 chain; plus strand). Cytogenetic location: 13q34.
Variant type: single nucleotide variant.
Coding change: c.*650T>C on transcript NM_001846.4 (MANE Select); 650 bases downstream of the stop codon, T replaced by C.
Molecular consequence: 3 prime UTR variant.
Genome position (GRCh38, 1-based): chr13:110,512,841, T>C. VCF-style: chr13-110512841-T-C. GRCh37 (hg19) VCF-style: chr13-111165188-T-C.
Identifiers: ClinVar variation 311211 (VCV000311211.6), dbSNP rs1049977, ClinGen allele CA10642885.